The following is an entry in ClinVar:

ClinVar aggregate classification (germline): Pathogenic (1 of 4 stars; one submission).

Conditions:
Hydrocephalus, nonsyndromic, autosomal recessive 1 (HYC1). Also called: Hydrocephalus, nonsyndromic, autosomal recessive; Congenital hydrocephalus 1. Identifiers: Orphanet 2185, MedGen C3887608, MONDO:0009360, OMIM 236600.

Submission:

Variantyx, Inc.
Classification: Pathogenic for Hydrocephalus, nonsyndromic, autosomal recessive 1. Last evaluated: 2025-11-04. Review status: criteria provided, single submitter. Criteria: Variantyx Assertion Criteria 2022. Collection method: clinical testing. Allele origin: de novo. Inheritance: Autosomal recessive inheritance. Affected: no.
Comment: This is a frameshift variant in the CCDC88C gene (OMIM: 611204). Pathogenic variants in this gene have been associated with autosomal recessive congenital hydrocephalus 1. This variant introduces a premature termination codon in exon 13 out of 30 and is expected to result in loss of function, which is a known disease mechanism for CCDC88C in this disorder (PMID: 29341397, 23042809) (PVS1). This variant is absent from control populations (PM2). Based on the current evidence, this variant is classified as pathogenic for autosomal recessive congenital hydrocephalus 1.

Literature cited by the submitters: PubMed 29341397; PubMed 23042809.

NM_001080414.4(CCDC88C):c.1359del (p.Phe453fs)

Gene: CCDC88C (coiled-coil and HOOK domain protein 88C; minus strand). Cytogenetic location: 14q32.11.
Variant type: Deletion.
Coding change: c.1359del on transcript NM_001080414.4 (MANE Select); coding-DNA position 1359, one base deleted (T; older notation c.1359delT).
Protein change: p.Phe453fs; shifts the reading frame from phenylalanine 453.
Molecular consequence: frameshift variant. On other transcripts: non-coding transcript variant (2).
Genome position (GRCh38, 1-based): chr14:91,321,288, A deleted on the plus strand (T on the coding strand, the reverse complement: CCDC88C is on the minus strand); the first of 3 consecutive A bases (chr14:91,321,288-91,321,290); deleting any one gives the same sequence. VCF-style (leftmost placement, unchanged base first): chr14-91321287-CA-C. GRCh37 (hg19) VCF-style: chr14-91787631-CA-C.
Other names: short protein forms F453fs.
Identifiers: ClinVar variation 4849979 (VCV004849979.1).
Genomic context (GRCh38, chr14:91,321,287, plus strand): 5'-TCTGATTCTCCTTCTCCAGCTTCAGGATGCGGCTGGACGCACATTCGTTCAGCTCAAACA[CA>C]AACGACTTCCTGGAGGCTGAAGACAAAGTCCAGTCAGAGCCCAGTGGTCTGTGGGCCTCC-3'